The following is an entry in ClinVar:

ClinVar aggregate classification (germline): Conflicting classifications of pathogenicity. Review status: criteria provided, conflicting classifications (1 of 4 stars). 3 submissions from 3 submitters: Uncertain significance (2); Likely benign (1). Last evaluated 2025-06-13.

Conditions:
Hereditary breast ovarian cancer syndrome. Also called: BRCA1- and BRCA2-Associated Hereditary Breast and Ovarian Cancer; Hereditary breast and ovarian cancer; Hereditary breast and ovarian cancer syndrome; Breast and ovarian cancer; Hereditary breast and/or ovarian cancer syndrome; Hereditary breast and ovarian cancer syndrome (HBOC). Identifiers: Orphanet 145, MedGen C0677776, MeSH D061325, MONDO:0003582. Disease mechanism: loss of function.
Hereditary cancer-predisposing syndrome. Also called: Tumor predisposition; Hereditary neoplastic syndrome; Neoplastic Syndromes, Hereditary; Hereditary Cancer Syndrome. Identifiers: Orphanet 140162, MedGen C0027672, MeSH D009386, MONDO:0015356.

Allele frequency attached by ClinVar (database versions not stated): gnomAD exomes below 0.00001.
gnomAD v4.1: 1 of 1,610,844 alleles (0.000062%); highest among the groups gnomAD compares: African/African-American, 0.0013%; no homozygotes.

Submissions (3):

Ambry Genetics
Classification: Uncertain significance for Hereditary cancer-predisposing syndrome. Last evaluated: 2025-06-13. Review status: criteria provided, single submitter. Criteria: Ambry Variant Classification Scheme 2023. Collection method: clinical testing. Allele origin: germline.
Comment: The p.K260E variant (also known as c.778A>G), located in coding exon 9 of the BRCA1 gene, results from an A to G substitution at nucleotide position 778. The lysine at codon 260 is replaced by glutamic acid, an amino acid with similar properties. This amino acid position is well conserved in available vertebrate species. In addition, this alteration is predicted to be deleterious by in silico analysis. Based on the available evidence, the clinical significance of this variant remains unclear.

Labcorp Genetics (formerly Invitae), Labcorp
Classification: Uncertain significance for Hereditary breast ovarian cancer syndrome. Last evaluated: 2025-03-04. Review status: criteria provided, single submitter. Criteria: Invitae Variant Classification Sherloc (09022015). Collection method: clinical testing. Allele origin: germline.
Comment: This sequence change replaces lysine, which is basic and polar, with glutamic acid, which is acidic and polar, at codon 260 of the BRCA1 protein (p.Lys260Glu). This variant is not present in population databases (gnomAD no frequency). This variant has not been reported in the literature in individuals affected with BRCA1-related conditions. ClinVar contains an entry for this variant (Variation ID: 1009121). Invitae Evidence Modeling of protein sequence and biophysical properties (such as structural, functional, and spatial information, amino acid conservation, physicochemical variation, residue mobility, and thermodynamic stability) indicates that this missense variant is not expected to disrupt BRCA1 protein function with a negative predictive value of 80%. In summary, the available evidence is currently insufficient to determine the role of this variant in disease. Therefore, it has been classified as a Variant of Uncertain Significance.

University of Washington Department of Laboratory Medicine, University of Washington
Classification: Likely benign for Hereditary cancer-predisposing syndrome. Last evaluated: 2023-03-23. Review status: criteria provided, single submitter. Criteria: Dines et al. (Genet Med. 2020). Collection method: curation. Allele origin: germline.
Comment: Missense variant in a coldspot region where missense variants are very unlikely to be pathogenic (PMID:31911673).

BRCA1 coldspot (exon 11 using historical exon numbering). Reclassification based on statistical prior probability

NM_007294.4(BRCA1):c.778A>G (p.Lys260Glu)

Gene: BRCA1 (BRCA1 DNA repair associated; minus strand). Cytogenetic location: 17q21.31.
Variant type: single nucleotide variant.
Coding change: c.778A>G on transcript NM_007294.4 (MANE Select); coding-DNA position 778, A replaced by G.
Protein change: p.Lys260Glu; replaces lysine 260 with glutamic acid.
Molecular consequence: missense variant. On other transcripts: non-coding transcript variant (1).
Genome position (GRCh38, 1-based): chr17:43,094,753, T>C on the plus strand (A>G on the coding strand, the complement: BRCA1 is on the minus strand). VCF-style: chr17-43094753-T-C. GRCh37 (hg19) VCF-style: chr17-41246770-T-C.
Other names: c.652A>G, p.Lys218Glu (NM_001408432.1, NM_001408433.1, NM_001408434.1 and 20 more transcripts); c.655A>G, p.Lys219Glu (NM_001408436.1, NM_001408437.1, NM_001408438.1 and 34 more transcripts); c.643A>G, p.Lys215Glu (NM_001408451.1); c.637A>G, p.Lys213Glu (NM_001408452.1, NM_001408453.1, NM_001408466.1 and 43 more transcripts); c.634A>G, p.Lys212Glu (NM_001408468.1, NM_001408462.1, NM_001408463.1 and 26 more transcripts); c.565A>G, p.Lys189Glu (NM_001407571.1, NM_001407853.1, NM_001407894.1 and 12 more transcripts); c.778A>G, p.Lys260Glu (NM_001407581.1, NM_001407582.1, NM_001407583.1 and 54 more transcripts); c.775A>G, p.Lys259Glu (NM_001407587.1, NM_001407590.1, NM_001407591.1 and 38 more transcripts); and 14 more; short protein forms K213E, K260E, K171E, K172E, K215E, K148E, K190E, K257E.
Identifiers: ClinVar variation 1009121 (VCV001009121.13), dbSNP rs786202263, ClinGen allele CA10600525.